The following is an entry in ClinVar:

ClinVar aggregate classification (germline): Uncertain significance. Review status: criteria provided, multiple submitters, no conflicts (2 of 4 stars). 3 submissions from 3 submitters: Uncertain significance (3). Last evaluated 2026-01-04.

Conditions:
Arrhythmogenic right ventricular dysplasia 8 (ARVD8). Also called: ARRHYTHMOGENIC RIGHT VENTRICULAR DYSPLASIA, FAMILIAL, 8; ARRHYTHMOGENIC RIGHT VENTRICULAR CARDIOMYOPATHY 8; Arrhythmogenic Right Ventricular Dysplasia/Cardiomyopathy 8. Identifiers: MedGen C1843896, MONDO:0011831, OMIM 607450.
Arrhythmogenic cardiomyopathy with wooly hair and keratoderma. Also called: Arrhythmogenic cardiomyopathy with woolly hair and keratoderma; PALMOPLANTAR KERATODERMA WITH LEFT VENTRICULAR CARDIOMYOPATHY AND WOOLLY HAIR; Carvajal syndrome; Dilated cardiomyopathy with woolly hair and keratoderma. Identifiers: Orphanet 65282, MedGen C1854063, MONDO:0011581, OMIM 605676.
Cardiomyopathy (CMYO). Also called: Cardiomyopathies. Identifiers: Orphanet 167848, MedGen C0878544, MONDO:0004994, HP:0001638. Inheritance: Various modes of inheritance.

Submissions (3):

Labcorp Genetics (formerly Invitae), Labcorp
Classification: Uncertain significance for Arrhythmogenic cardiomyopathy with wooly hair and keratoderma; Arrhythmogenic right ventricular dysplasia 8. Last evaluated: 2026-01-04. Review status: criteria provided, single submitter. Criteria: Invitae Variant Classification Sherloc (09022015). Collection method: clinical testing. Allele origin: germline.
Comment: This sequence change replaces isoleucine, which is neutral and non-polar, with valine, which is neutral and non-polar, at codon 2530 of the DSP protein (p.Ile2530Val). This variant is not present in population databases (gnomAD no frequency). This variant has not been reported in the literature in individuals affected with DSP-related conditions. ClinVar contains an entry for this variant (Variation ID: 1433311). An algorithm developed to predict the effect of missense changes on protein structure and function outputs the following: PolyPhen-2: "Benign". The valine amino acid residue is found in multiple mammalian species, which suggests that this missense change does not adversely affect protein function. In summary, the available evidence is currently insufficient to determine the role of this variant in disease. Therefore, it has been classified as a Variant of Uncertain Significance.

All of Us Research Program, National Institutes of Health
Classification: Uncertain significance for Arrhythmogenic cardiomyopathy with wooly hair and keratoderma. Last evaluated: 2024-05-30. Review status: criteria provided, single submitter. Criteria: ACMG Guidelines, 2015. Collection method: clinical testing. Allele origin: germline. Inheritance: Autosomal dominant inheritance. Observed: 1 variant allele, 1 heterozygote.
Comment: This missense variant replaces isoleucine with valine at codon 2530 of the DSP protein. Computational prediction suggests that this variant may not impact protein structure and function (internally defined REVEL score threshold <= 0.5, PMID: 27666373). To our knowledge, functional studies have not been reported for this variant. This variant has not been reported in individuals affected with DSP-related disorders in the literature. This variant has not been identified in the general population by the Genome Aggregation Database (gnomAD). The available evidence is insufficient to determine the role of this variant in disease conclusively. Therefore, this variant is classified as a Variant of Uncertain Significance.

This study involves interpretation of variants in research participants for the purpose of population health screening. Participant phenotype was not available at the time of variant classification. Additional details can be found in publication PMID: 35346344, PMCID: PMC8962531

Color Diagnostics, LLC DBA Color Health
Classification: Uncertain significance for Cardiomyopathy. Last evaluated: 2024-05-07. Review status: criteria provided, single submitter. Criteria: ACMG Guidelines, 2015. Collection method: clinical testing. Allele origin: germline.
Comment: This missense variant replaces isoleucine with valine at codon 2530 of the DSP protein. Computational prediction suggests that this variant may not impact protein structure and function. To our knowledge, functional studies have not been reported for this variant. This variant has not been reported in individuals affected with DSP-related disorders in the literature. This variant has not been identified in the general population by the Genome Aggregation Database (gnomAD). The available evidence is insufficient to determine the role of this variant in disease conclusively. Therefore, this variant is classified as a Variant of Uncertain Significance.

NM_004415.4(DSP):c.7588A>G (p.Ile2530Val)

Gene: DSP (desmoplakin; plus strand). Cytogenetic location: 6p24.3.
Variant type: single nucleotide variant.
Coding change: c.7588A>G on transcript NM_004415.4 (MANE Select); coding-DNA position 7588, A replaced by G.
Protein change: p.Ile2530Val; replaces isoleucine 2530 with valine.
Molecular consequence: missense variant.
Genome position (GRCh38, 1-based): chr6:7,584,850, A>G. VCF-style: chr6-7584850-A-G. GRCh37 (hg19) VCF-style: chr6-7585083-A-G.
Other names: c.5791A>G, p.Ile1931Val (NM_001008844.3); c.6259A>G, p.Ile2087Val (NM_001319034.2); short protein forms I2530V, I2087V, I1931V.
Identifiers: ClinVar variation 1433311 (VCV001433311.10), dbSNP rs397516958, ClinGen allele CA362693343.
Genomic context (GRCh38, chr6:7,584,850, plus strand): 5'-GGATCAGATGGCTCCACCAGGGTGGTCCTGGTAGATAGAAAGACAGGCAGTCAGTATGAT[A>G]TTCAAGATGCTATTGACAAGGGCCTTGTTGACAGGAAGTTCTTTGATCAGTACCGATCCG-3'
Protein context (NP_004406.2, residues 2520-2540): VDRKTGSQYD[Ile2530Val]QDAIDKGLVD